The following is an entry in ClinVar:

NM_000059.4(BRCA2):c.2354T>C (p.Ile785Thr)

Gene: BRCA2 (BRCA2 DNA repair associated; plus strand). Cytogenetic location: 13q13.1.
Variant type: single nucleotide variant.
Coding change: c.2354T>C on transcript NM_000059.4 (MANE Select); coding-DNA position 2354, T replaced by C.
Protein change: p.Ile785Thr; replaces isoleucine 785 with threonine.
Molecular consequence: missense variant.
Genome position (GRCh38, 1-based): chr13:32,336,709, T>C. VCF-style: chr13-32336709-T-C. GRCh37 (hg19) VCF-style: chr13-32910846-T-C.
Other names: short protein forms I785T.
Identifiers: ClinVar variation 821066 (VCV000821066.12), dbSNP rs771599029, ClinGen allele CA6940599.

ClinVar aggregate classification (germline): Conflicting classifications of pathogenicity. Review status: criteria provided, conflicting classifications (1 of 4 stars). 5 submissions from 5 submitters: Uncertain significance (3); Likely benign (2). Last evaluated 2024-09-24.

Conditions:
Hereditary cancer-predisposing syndrome. Also called: Hereditary Cancer Syndrome; Neoplastic Syndromes, Hereditary; Hereditary neoplastic syndrome; Tumor predisposition. Identifiers: Orphanet 140162, MedGen C0027672, MeSH D009386, MONDO:0015356.
Breast-ovarian cancer, familial, susceptibility to, 2 (BROVCA2). Also called: BRCA2 Hereditary Breast and Ovarian Cancer. Identifiers: Orphanet 145, MedGen C2675520, MONDO:0012933, OMIM 612555. Disease mechanism: loss of function.

Allele frequency attached by ClinVar (database versions not stated): TOPMed below 0.00001; ExAC 0.00001; gnomAD exomes 0.00001.
gnomAD v4.1: 7 of 1,614,054 alleles (0.00043%); highest among the groups gnomAD compares: South Asian, 0.0077%; no homozygotes.

Submissions (5):

Color Diagnostics, LLC DBA Color Health
Classification: Likely benign for Hereditary cancer-predisposing syndrome. Last evaluated: 2024-09-24. Review status: criteria provided, single submitter. Criteria: ACMG Guidelines, 2015. Collection method: clinical testing. Allele origin: germline.

Ambry Genetics
Classification: Uncertain significance for Hereditary cancer-predisposing syndrome. Last evaluated: 2024-05-01. Review status: criteria provided, single submitter. Criteria: Ambry Variant Classification Scheme 2023. Collection method: clinical testing. Allele origin: germline.
Comment: The p.I785T variant (also known as c.2354T>C), located in coding exon 10 of the BRCA2 gene, results from a T to C substitution at nucleotide position 2354. The isoleucine at codon 785 is replaced by threonine, an amino acid with similar properties. This amino acid position is not well conserved in available vertebrate species. In addition, this alteration is predicted to be tolerated by in silico analysis. Based on the available evidence, the clinical significance of this variant remains unclear.

All of Us Research Program, National Institutes of Health
Classification: Uncertain significance for Breast-ovarian cancer, familial, susceptibility to, 2. Last evaluated: 2023-10-06. Review status: criteria provided, single submitter. Criteria: ACMG Guidelines, 2015. Collection method: clinical testing. Allele origin: germline. Inheritance: Autosomal dominant inheritance. Observed: 1 variant allele, 1 heterozygote.
Comment: This missense variant replaces isoleucine with threonine at codon 785 of the BRCA2 protein. Computational prediction suggests that this variant may not impact protein structure and function (internally defined REVEL score threshold <= 0.5, PMID: 27666373). To our knowledge, functional studies have not been reported for this variant. This variant has not been reported in individuals affected with BRCA2-related disorders in the literature. This variant has been identified in 2/250808 chromosomes in the general population by the Genome Aggregation Database (gnomAD). The available evidence is insufficient to determine the role of this variant in disease conclusively. Therefore, this variant is classified as a Variant of Uncertain Significance.

This study involves interpretation of variants in research participants for the purpose of population health screening. Participant phenotype was not available at the time of variant classification. Additional details can be found in publication PMID: 35346344, PMCID: PMC8962531

KCCC/NGS Laboratory, Kuwait Cancer Control Center
Classification: Uncertain significance for Breast-ovarian cancer, familial, susceptibility to, 2. Last evaluated: 2023-06-06. Review status: criteria provided, single submitter. Criteria: ACMG Guidelines, 2015. Collection method: clinical testing. Allele origin: germline. Affected: yes.
Comment: A variant of uncertain significance was detected in the BRCA2 gene (c.2354T>C, p.Ile785Thr). The p.I785T variant (also known as c.2354T>C), located in coding exon 10 of the BRCA2 gene, results from a T to C substitution at nucleotide position 2354. The isoleucine at codon 785 is replaced by threonine, an amino acid with similar properties. This varaint is not present in gnomAD genomes. This variant is not published in individuals with BRCA-related cancers. In-silico predictions show benign computational verdict based on 7 benign predictions from PolyPhen, BayesDel_addAF, DANN, EIGEN, FATHMM-MKL, MutationTaster and PrimateAI vs 3 pathogenic predictions from M-CAP, MVP and SIFT and the position is not highly conserved. Therefore, it has been classified a variant of uncertain signficance.

University of Washington Department of Laboratory Medicine, University of Washington
Classification: Likely benign for Hereditary cancer-predisposing syndrome. Last evaluated: 2023-03-23. Review status: criteria provided, single submitter. Criteria: Dines et al. (Genet Med. 2020). Collection method: curation. Allele origin: germline.
Comment: Missense variant in a coldspot region where missense variants are very unlikely to be pathogenic (PMID:31911673).

BRCA2 exon 11 coldspot. Reclassification based on statistical prior probability.